The following is an entry in ClinVar:

ClinVar aggregate classification (germline): Uncertain significance. Review status: criteria provided, multiple submitters, no conflicts (2 of 4 stars). 2 submissions from 2 submitters: Uncertain significance (2). Last evaluated 2025-08-28.

Conditions:
Developmental and epileptic encephalopathy, 42 (DEE42A). Also called: Epileptic encephalopathy, early infantile, 42; DEVELOPMENTAL AND EPILEPTIC ENCEPHALOPATHY 42A; EPILEPTIC ENCEPHALOPATHY, EARLY INFANTILE, 42A. Identifiers: MedGen C4310716, MONDO:0014917, OMIM 617106.
Episodic ataxia type 2 (EA2). Also called: ACETAZOLAMIDE-RESPONSIVE HEREDITARY PAROXYSMAL CEREBELLAR ATAXIA; ATAXIA, EPISODIC, WITH NYSTAGMUS; ATAXIA, FAMILIAL PAROXYSMAL; CEREBELLAR ATAXIA, PAROXYSMAL, ACETAZOLAMIDE-RESPONSIVE; CEREBELLOPATHY, HEREDITARY PAROXYSMAL; EPISODIC ATAXIA, NYSTAGMUS-ASSOCIATED. Identifiers: Orphanet 97, MedGen C1720416, MONDO:0007163, OMIM 108500.

Submissions (2):

Labcorp Genetics (formerly Invitae), Labcorp
Classification: Uncertain significance for Developmental and epileptic encephalopathy, 42; Episodic ataxia type 2. Last evaluated: 2025-08-28. Review status: criteria provided, single submitter. Criteria: Invitae Variant Classification Sherloc (09022015). Collection method: clinical testing. Allele origin: germline.
Comment: This sequence change replaces glutamic acid, which is acidic and polar, with alanine, which is neutral and non-polar, at codon 438 of the CACNA1A protein (p.Glu438Ala). This variant is not present in population databases (gnomAD no frequency). This variant has not been reported in the literature in individuals affected with CACNA1A-related conditions. Invitae Evidence Modeling of protein sequence and biophysical properties (such as structural, functional, and spatial information, amino acid conservation, physicochemical variation, residue mobility, and thermodynamic stability) indicates that this missense variant is not expected to disrupt CACNA1A protein function with a negative predictive value of 95%. In summary, the available evidence is currently insufficient to determine the role of this variant in disease. Therefore, it has been classified as a Variant of Uncertain Significance.

GeneDx
Classification: Uncertain significance. Last evaluated: 2025-06-10. Review status: criteria provided, single submitter. Criteria: GeneDx Variant Classification Process June 2021. Collection method: clinical testing. Allele origin: germline. Affected: yes.
Comment: Not observed at significant frequency in large population cohorts (gnomAD); In silico analysis supports that this missense variant has a deleterious effect on protein structure/function; Has not been previously published as pathogenic or benign to our knowledge

NM_001127222.2(CACNA1A):c.1310A>C (p.Glu437Ala)

Gene: CACNA1A (calcium voltage-gated channel subunit alpha1 A; minus strand). Cytogenetic location: 19p13.13.
Variant type: single nucleotide variant.
Coding change: c.1310A>C on transcript NM_001127222.2 (MANE Select); coding-DNA position 1310, A replaced by C.
Protein change: p.Glu437Ala; replaces glutamic acid 437 with alanine.
Molecular consequence: missense variant.
Genome position (GRCh38, 1-based): chr19:13,330,279, T>G on the plus strand (A>C on the coding strand, the complement: CACNA1A is on the minus strand). VCF-style: chr19-13330279-T-G. GRCh37 (hg19) VCF-style: chr19-13441093-T-G.
Other names: c.1313A>C, p.Glu438Ala (NM_000068.4, NM_001127221.2, NM_001174080.2 and 1 more transcripts); short protein forms E437A, E438A.
Identifiers: ClinVar variation 4538182 (VCV004538182.2).